The following is an entry in ClinVar:

NM_000287.4(PEX6):c.2130G>A (p.Leu710=)

Gene: PEX6 (peroxisomal biogenesis factor 6; minus strand). Cytogenetic location: 6p21.1.
Variant type: single nucleotide variant.
Coding change: c.2130G>A on transcript NM_000287.4 (MANE Select); coding-DNA position 2130, G replaced by A.
Protein change: p.Leu710=; no amino-acid change (leucine 710 retained).
Molecular consequence: synonymous variant.
Genome position (GRCh38, 1-based): chr6:42,966,412, C>T on the plus strand (G>A on the coding strand, the complement: PEX6 is on the minus strand). VCF-style: chr6-42966412-C-T. GRCh37 (hg19) VCF-style: chr6-42934150-C-T.
Other names: c.2130G>A (NM_000287.3); c.1866G>A, p.Leu622= (NM_001316313.2).
Identifiers: ClinVar variation 1108054 (VCV001108054.10), dbSNP rs944937782, ClinGen allele CA138223231.

ClinVar aggregate classification (germline): Likely benign. Review status: criteria provided, single submitter (1 of 4 stars). 2 submissions from 2 submitters: Likely benign (1). 1 of the submissions does not count toward it. Last evaluated 2025-01-13.

Conditions:
PEX6-related disorder. Also called: PEX6-related disorders; PEX6-related condition.
Peroxisome biogenesis disorder. Identifiers: Orphanet 79189, MedGen C1832200, MONDO:0019234. Disease mechanism: loss of function.

Allele frequency attached by ClinVar (database versions not stated): gnomAD exomes below 0.00001.
gnomAD v4.1: 1 of 1,614,150 alleles (0.000062%); highest among the groups gnomAD compares: Non-Finnish European, 0.000085%; no homozygotes.

Submissions (2):

Labcorp Genetics (formerly Invitae), Labcorp
Classification: Likely benign for Peroxisome biogenesis disorder. Last evaluated: 2025-01-13. Review status: criteria provided, single submitter. Criteria: Invitae Variant Classification Sherloc (09022015). Collection method: clinical testing. Allele origin: germline.

PreventionGenetics, part of Exact Sciences
Classification: Likely benign for PEX6-related condition. Last evaluated: 2024-06-11. Review status: no assertion criteria provided. Collection method: clinical testing. Allele origin: germline. Not counted in ClinVar's aggregate classification.
Comment: This variant is classified as likely benign based on ACMG/AMP sequence variant interpretation guidelines (Richards et al. 2015 PMID: 25741868, with internal and published modifications).